The following is an entry in ClinVar:

ClinVar aggregate classification (germline): Pathogenic/Likely pathogenic. Review status: criteria provided, multiple submitters, no conflicts (2 of 4 stars). 9 submissions from 9 submitters: Pathogenic (2); Likely pathogenic (7). Last evaluated 2026-01-21.

Conditions:
Wilson disease (WND). Also called: Wilson's disease. Identifiers: Orphanet 905, MedGen C0019202, MONDO:0010200, OMIM 277900. Disease mechanism: loss of function.

Allele frequency attached by ClinVar (database versions not stated): gnomAD 0.00002; TOPMed 0.00004; gnomAD exomes below 0.00001.
gnomAD v4.1: 5 of 1,613,818 alleles (0.00031%); highest among the groups gnomAD compares: Admixed American, 0.0067%; no homozygotes.

Submissions (9):

Labcorp Genetics (formerly Invitae), Labcorp
Classification: Pathogenic for Wilson disease. Last evaluated: 2026-01-21. Review status: criteria provided, single submitter. Criteria: Invitae Variant Classification Sherloc (09022015). Collection method: clinical testing. Allele origin: germline.
Comment: This sequence change replaces glycine, which is neutral and non-polar, with valine, which is neutral and non-polar, at codon 691 of the ATP7B protein (p.Gly691Val). This variant is not present in population databases (gnomAD no frequency). This missense change has been observed in individual(s) with Wilson disease (PMID: 25497208). ClinVar contains an entry for this variant (Variation ID: 555245). Invitae Evidence Modeling of protein sequence and biophysical properties (such as structural, functional, and spatial information, amino acid conservation, physicochemical variation, residue mobility, and thermodynamic stability) indicates that this missense variant is expected to disrupt ATP7B protein function with a positive predictive value of 80%. Algorithms developed to predict the effect of sequence changes on RNA splicing suggest that this variant may create or strengthen a splice site. This variant disrupts the p.Gly691 amino acid residue in ATP7B. Other variant(s) that disrupt this residue have been determined to be pathogenic (PMID: 9671269, 17718866, 23389864). This suggests that this residue is clinically significant, and that variants that disrupt this residue are likely to be disease-causing. For these reasons, this variant has been classified as Pathogenic.

Myriad Genetics, Inc.
Classification: Likely pathogenic for Wilson disease. Last evaluated: 2025-05-08. Review status: criteria provided, single submitter. Criteria: Myriad Autosomal Dominant, Autosomal Recessive and X-Linked Classification Criteria (2023). Collection method: clinical testing. Allele origin: unknown.
Comment: NM_000053.3(ATP7B):c.2072G>T(G691V) is a missense variant classified as likely pathogenic in the context of Wilson disease. G691V has been observed in cases with relevant disease (PMID: 37342740, 25497208). Relevant functional assessments of this variant are not available in the literature. G691V has not been observed in referenced population frequency databases. In summary, NM_000053.3(ATP7B):c.2072G>T(G691V) is a missense variant that has been observed more frequently in cases with the relevant disease than in healthy populations. Please note: this variant was assessed in the context of healthy population screening.

Natera, Inc.
Classification: Likely pathogenic for Wilson disease. Last evaluated: 2025-03-31. Review status: criteria provided, single submitter. Criteria: Natera Variant Classification Schema (03/2026). Collection method: clinical testing. Allele origin: germline.
Comment: The c.2072G>T variant in ATP7B is a missense variant predicted to cause substitution of glycine to valine at amino acid 691. This variant is rare in the general population with a frequency below the threshold expected for the associated phenotype(s). This variant has been observed in one or more individuals affected with the associated recessive disease, as either homozygous or compound heterozygous with a second variant (PMID: 25497208). A different variant at the same position has been determined to be Pathogenic or Likely Pathogenic. Computational prediction algorithms indicate this variant is likely to affect gene or protein function. Given the available evidence, this variant is classified as Likely Pathogenic.

All of Us Research Program, National Institutes of Health
Classification: Likely pathogenic for Wilson disease. Last evaluated: 2024-09-27. Review status: criteria provided, single submitter. Criteria: ACMG Guidelines, 2015. Collection method: clinical testing. Allele origin: germline. Inheritance: Autosomal recessive inheritance. Observed: 4 variant alleles, 4 heterozygotes.
Comment: This missense variant replaces glycine with valine at codon 691 of the ATP7B protein. Computational prediction suggests that this variant may have deleterious impact on protein structure and function (internally defined REVEL score threshold >= 0.7, PMID: 27666373). To our knowledge, functional studies have not been reported for this variant. This variant has been observed in the homozygous state and the compound heterozygous state with a second pathogenic variant in individuals affected with autosomal recessive Wilson disease (PMID: 25497208), indicating that this variant contributes to disease. This variant has not been identified in the general population by the Genome Aggregation Database (gnomAD). Different variants affecting the same codon, c.2071G>C (p.Gly691Arg) and c.2071G>A (p.Gly691Arg), are considered to be disease-causing (ClinVar Variation ID: 3866, 2180424), suggesting that glycine at this position is important for the protein function. Based on the available evidence, this variant is classified as Likely Pathogenic.

This study involves interpretation of variants in research participants for the purpose of population health screening. Participant phenotype was not available at the time of variant classification. Additional details can be found in publication PMID: 35346344, PMCID: PMC8962531

Lildballe Lab, Aarhus University Hospital
Classification: Likely pathogenic for Wilson disease. Last evaluated: 2024-08-29. Review status: criteria provided, single submitter. Criteria: ACMG Guidelines, 2015. Collection method: clinical testing. Allele origin: germline. Affected: yes.
Comment: PM1, PM2,PM5, PP3

Fulgent Genetics
Classification: Likely pathogenic for Wilson disease. Last evaluated: 2024-03-21. Review status: criteria provided, single submitter. Criteria: ACMG Guidelines, 2015. Collection method: clinical testing. Allele origin: germline.

Baylor Genetics
Classification: Pathogenic for Wilson disease. Last evaluated: 2023-11-18. Review status: criteria provided, single submitter. Criteria: ACMG Guidelines, 2015. Collection method: clinical testing. Allele origin: unknown.

Genome-Nilou Lab
Classification: Likely pathogenic for Wilson disease. Last evaluated: 2021-08-10. Review status: criteria provided, single submitter. Criteria: ACMG Guidelines, 2015. Collection method: clinical testing. Allele origin: germline. Affected: no.

ARUP Laboratories, Molecular Genetics and Genomics, ARUP Laboratories
Classification: Likely pathogenic for Wilson disease. Last evaluated: 2020-05-13. Review status: criteria provided, single submitter. Criteria: ARUP Molecular Germline Variant Investigation Process. Collection method: clinical testing. Allele origin: germline.
Comment: The ATP7B c.2072G>T; p.Gly691Val variant is reported in the literature in the homozygous or trans-heterozygous state in individuals affected with Wilson disease (Paradisi 2015). This variant is reported in ClinVar (Variation ID: 555245), and is absent from general population databases (Exome Variant Server, Genome Aggregation Database), indicating it is not a common polymorphism. The glycine at codon 691 is highly conserved, and computational analyses (SIFT, PolyPhen-2) predict that this variant is deleterious. Additionally, another variant at this codon (c.2071G>A; p.Gly691Arg) has been reported in individuals with Wilson disease (Loudianos 1998). Based on available information, the p.Gly691Val variant is considered to be likely pathogenic. References: Loudianos G et al. Further delineation of the molecular pathology of Wilson disease in the Mediterranean population. Hum Mutat. 1998;12(2):89-94. Paradisi I et al. Most frequent mutation c.3402delC (p.Ala1135GlnfsX13) among Wilson disease patients in Venezuela has a wide distribution and two old origins. Eur J Med Genet. 2015 Feb;58(2):59-65.

Literature cited by the submitters: PubMed 25497208 (cited by 4 submitters); PubMed 9671269 (cited by Labcorp Genetics (formerly Invitae), Labcorp); PubMed 17718866 (cited by Labcorp Genetics (formerly Invitae), Labcorp); PubMed 23389864 (cited by Labcorp Genetics (formerly Invitae), Labcorp); PubMed 37342740 (cited by Myriad Genetics, Inc.).

NM_000053.4(ATP7B):c.2072G>T (p.Gly691Val)

Gene: ATP7B (ATPase copper transporting beta; minus strand). Cytogenetic location: 13q14.3.
Variant type: single nucleotide variant.
Coding change: c.2072G>T on transcript NM_000053.4 (MANE Select); coding-DNA position 2072, G replaced by T.
Protein change: p.Gly691Val; replaces glycine 691 with valine.
Molecular consequence: missense variant. On other transcripts: intron variant (2).
Genome position (GRCh38, 1-based): chr13:51,960,197, C>A on the plus strand (G>T on the coding strand, the complement: ATP7B is on the minus strand). VCF-style: chr13-51960197-C-A. GRCh37 (hg19) VCF-style: chr13-52534333-C-A.
Other names: c.1739G>T, p.Gly580Val (NM_001243182.2); c.2072G>T, p.Gly691Val (NM_001330578.2); c.1870-2590G>T (NM_001005918.3); c.1870-1653G>T (NM_001330579.2); short protein forms G691V, G580V.
Identifiers: ClinVar variation 555245 (VCV000555245.31), dbSNP rs1555291801, ClinGen allele CA388024694.
Genomic context (GRCh38, chr13:51,960,197, plus strand): 5'-CTCATATATACCTGGACAAAGGTACACAAGATAAAGAAGATGAGATTTAGAATGGACAGT[C>A]CTGGAATGATGTTGTGGTCCAGGACCATGGACTGGTGGGGCTCGTTGCTGGGTATCAGCA-3'
Protein context (NP_000044.2, residues 681-701): SMVLDHNIIP[Gly691Val]LSILNLIFFI